The following is an entry in ClinVar:

NM_000051.4(ATM):c.1131T>C (p.Ser377=)

Gene: ATM (ATM serine/threonine kinase; plus strand). Cytogenetic location: 11q22.3.
Variant type: single nucleotide variant.
Coding change: c.1131T>C on transcript NM_000051.4 (MANE Select); coding-DNA position 1131, T replaced by C.
Protein change: p.Ser377=; no amino-acid change (serine 377 retained).
Molecular consequence: synonymous variant.
Genome position (GRCh38, 1-based): chr11:108,248,998, T>C. VCF-style: chr11-108248998-T-C. GRCh37 (hg19) VCF-style: chr11-108119725-T-C.
Other names: c.1131T>C (NM_000051.3); c.1131T>C, p.Ser377= (NM_001351834.2).
Identifiers: ClinVar variation 1153097 (VCV001153097.11), dbSNP rs2135292457, ClinGen allele CA476671705.

ClinVar aggregate classification (germline): Benign/Likely benign. Review status: criteria provided, multiple submitters, no conflicts (2 of 4 stars). 3 submissions from 3 submitters: Benign (1); Likely benign (2). Last evaluated 2025-11-11.

Conditions:
Familial cancer of breast. Also called: BREAST CANCER, FAMILIAL; Hereditary breast cancer; hereditary breast carcinoma. Identifiers: Orphanet 227535, MedGen C0346153, MONDO:0016419, OMIM 114480. Disease mechanism: loss of function.
Hereditary cancer-predisposing syndrome. Also called: Hereditary Cancer Syndrome; Hereditary neoplastic syndrome; Neoplastic Syndromes, Hereditary; Tumor predisposition. Identifiers: Orphanet 140162, MedGen C0027672, MeSH D009386, MONDO:0015356.
Ataxia-telangiectasia syndrome (AT). Also called: Ataxia-telangiectasia; Cerebello-oculocutaneous telangiectasia; Immunodeficiency with ataxia telangiectasia; Ataxia-telangiectasia, complementation group D; AT, COMPLEMENTATION GROUP C; Ataxia telangiectasia (A-T). Identifiers: Orphanet 100, MedGen C0004135, MONDO:0008840, OMIM 208900.

Submissions (3):

Ambry Genetics
Classification: Likely benign for Hereditary cancer-predisposing syndrome. Last evaluated: 2025-11-11. Review status: criteria provided, single submitter. Criteria: Ambry Variant Classification Scheme 2023. Collection method: clinical testing. Allele origin: germline.

Myriad Genetics, Inc.
Classification: Benign for Familial cancer of breast. Last evaluated: 2024-04-25. Review status: criteria provided, single submitter. Criteria: Myriad Autosomal Dominant, Autosomal Recessive and X-Linked Classification Criteria (2023). Collection method: clinical testing. Allele origin: unknown.
Comment: This variant is considered benign. This variant is a silent/synonymous amino acid change and it is not expected to impact splicing.

Labcorp Genetics (formerly Invitae), Labcorp
Classification: Likely benign for Ataxia-telangiectasia syndrome. Last evaluated: 2023-06-16. Review status: criteria provided, single submitter. Criteria: Invitae Variant Classification Sherloc (09022015). Collection method: clinical testing. Allele origin: germline.